The following is an entry in ClinVar:

NM_005912.3(MC4R):c.226C>T (p.His76Tyr)

Gene: MC4R (melanocortin 4 receptor; minus strand). Cytogenetic location: 18q21.32.
Variant type: single nucleotide variant.
Coding change: c.226C>T on transcript NM_005912.3 (MANE Select); coding-DNA position 226, C replaced by T.
Protein change: p.His76Tyr; replaces histidine 76 with tyrosine.
Molecular consequence: missense variant.
Genome position (GRCh38, 1-based): chr18:60,372,124, G>A on the plus strand (C>T on the coding strand, the complement: MC4R is on the minus strand). VCF-style: chr18-60372124-G-A. GRCh37 (hg19) VCF-style: chr18-58039357-G-A.
Other names: short protein forms H76Y.
Identifiers: ClinVar variation 3344818 (VCV003344818.1).

ClinVar aggregate classification (germline): Uncertain significance (0 of 4 stars; one submission).

Conditions:
MC4R-related disorder. Also called: MC4R-related condition.

Submission:

PreventionGenetics, part of Exact Sciences
Classification: Uncertain significance for MC4R-related condition. Last evaluated: 2024-05-01. Review status: no assertion criteria provided. Collection method: clinical testing. Allele origin: germline.
Comment: The MC4R c.226C>T variant is predicted to result in the amino acid substitution p.His76Tyr. To our knowledge, this variant has not been reported in the literature or in a large population database, indicating this variant is rare. Alternative variant at this codon p.His76Arg has been reported in patients with an obesity phenotype (Stutzmann et al. 2008. PubMed ID: 18559663; Albuquerque et al. 2014. PubMed ID: 24611737), however functional studies disagree on whether this variant has any functional impact (Stutzmann et al. 2008. PubMed ID: 18559663; Table 3, Wang and Tao. 2011. PubMed ID: 21729752; Lotta et al. 2019. PubMed ID: 31002796). At this time, the clinical significance of p.His76Tyr variant is uncertain due to the absence of conclusive functional and genetic evidence.